The following is an entry in ClinVar:

ClinVar aggregate classification (germline): Uncertain significance (1 of 4 stars; one submission).

Conditions:
Severe myoclonic epilepsy in infancy (DRVT). Also called: SEVERE MYOCLONIC EPILEPSY OF INFANCY; DEVELOPMENTAL AND EPILEPTIC ENCEPHALOPATHY 6A; Severe Myoclonic Epilepsy in Infancy (SMEI); Dravet syndrome; Epileptic encephalopathy, early infantile, 6 (Dravet syndrome). Identifiers: Orphanet 33069, MedGen C0751122, MONDO:0100135, OMIM 607208.

Submission:

Lifecell International Pvt. Ltd
Classification: Uncertain significance for Severe myoclonic epilepsy in infancy. Review status: criteria provided, single submitter. Criteria: ACMG Guidelines 2015. Collection method: clinical testing. Allele origin: germline. Inheritance: Autosomal dominant inheritance. Affected: yes. Observed: 1 variant allele, 1 heterozygote.
Comment: "A heterozygous missense variant (c.4396T>C) in exon 26 of the SCN1A gene that results in the amino acid substitution from Phenylalanine to Leucine at codon 1466 (p.Phe1466Leu) was identified. The observed variant is not present in both the 1000 Genomes and gnomAD databases. The reference base is conserved across the species and in-silico predictions by Polyphen and SIFT are damaging. The Missense Variants Z-Score for this variant is 5.61. Missense Variants Z-Score is produced by the Exome Aggregation Consortium (60,706 adult humans) by computing a signed Z score for the deviation of observed counts from the expected number. Positive Z scores indicate increased constraint (intolerance to variation) and therefore that the gene had fewer missense variants than expected. (DOI: 10.1038/nature19057). Based on the above evidence this variant has been classified as variant of uncertain signficance according to the ACMG guidelines."

NM_001165963.4(SCN1A):c.4396T>C (p.Phe1466Leu)

Genes: SCN1A (sodium voltage-gated channel alpha subunit 1; minus strand), LOC102724058 (uncharacterized LOC102724058; plus strand). Cytogenetic location: 2q24.3.
Variant type: single nucleotide variant.
Coding change: c.4396T>C on transcript NM_001165963.4 (MANE Select); coding-DNA position 4396, T replaced by C.
Protein change: p.Phe1466Leu; replaces phenylalanine 1466 with leucine.
Molecular consequence: missense variant. On other transcripts: non-coding transcript variant (1).
Genome position (GRCh38, 1-based): chr2:165,998,118, A>G on the plus strand (T>C on the coding strand, the complement: SCN1A is on the minus strand). VCF-style: chr2-165998118-A-G. GRCh37 (hg19) VCF-style: chr2-166854628-A-G.
Other names: c.4312T>C, p.Phe1438Leu (NM_001165964.3, NM_001353957.2, NM_001353958.2); c.4396T>C, p.Phe1466Leu (NM_001202435.3, NM_001353948.2); c.4363T>C, p.Phe1455Leu (NM_001353949.2, NM_001353950.2, NM_001353951.2 and 2 more transcripts); c.4360T>C, p.Phe1454Leu (NM_001353954.2, NM_001353955.2); c.4309T>C, p.Phe1437Leu (NM_001353960.2); c.1954T>C, p.Phe652Leu (NM_001353961.2); short protein forms F1437L, F1438L, F1454L, F1455L, F1466L, F652L.
Identifiers: ClinVar variation 1174163 (VCV001174163.2), dbSNP rs2105476313, ClinGen allele CA349049387.
Genomic context (GRCh38, chr2:165,998,118, plus strand): 5'-AATTATCTATGATGACACCAATAAACAGGTTCAAGGTGAAGAAGGACCCAAAGATGATGA[A>G]AATAACAAAGTAAAGATACATGTACAGACTTTCTTCATACTTAGGCTGGAGTTCCACCTA-3'
Protein context (NP_001159435.1, residues 1456-1476): SLYMYLYFVI[Phe1466Leu]IIFGSFFTLN